The following is an entry in ClinVar:

ClinVar aggregate classification (germline): Likely benign. Review status: criteria provided, multiple submitters, no conflicts (2 of 4 stars). 2 submissions from 2 submitters: Likely benign (2). Last evaluated 2023-08-01.

Allele frequency attached by ClinVar (database versions not stated): gnomAD exomes below 0.00001; TOPMed below 0.00001; ExAC 0.00001; gnomAD 0.00001.
gnomAD v4.1: 2 of 1,613,558 alleles (0.00012%); highest among the groups gnomAD compares: Non-Finnish European, 0.00017%; no homozygotes.

Submissions (2):

CeGaT Center for Human Genetics Tuebingen
Classification: Likely benign. Last evaluated: 2023-08-01. Review status: criteria provided, single submitter. Criteria: CeGaT Center For Human Genetics Tuebingen Variant Classification Criteria Version 2. Collection method: clinical testing. Allele origin: germline. Affected: yes. Observed: 1 variant allele.
Comment: ABCA12: BP4, BP7

Labcorp Genetics (formerly Invitae), Labcorp
Classification: Likely benign. Last evaluated: 2023-03-07. Review status: criteria provided, single submitter. Criteria: Invitae Variant Classification Sherloc (09022015). Collection method: clinical testing. Allele origin: germline.

NM_173076.3(ABCA12):c.3699T>G (p.Leu1233=)

Gene: ABCA12 (ATP binding cassette subfamily A member 12; minus strand). Cytogenetic location: 2q35.
Variant type: single nucleotide variant.
Coding change: c.3699T>G on transcript NM_173076.3 (MANE Select); coding-DNA position 3699, T replaced by G.
Protein change: p.Leu1233=; no amino-acid change (leucine 1233 retained).
Molecular consequence: synonymous variant. On other transcripts: non-coding transcript variant (1).
Genome position (GRCh38, 1-based): chr2:214,989,459, A>C on the plus strand (T>G on the coding strand, the complement: ABCA12 is on the minus strand). VCF-style: chr2-214989459-A-C. GRCh37 (hg19) VCF-style: chr2-215854183-A-C.
Other names: c.2745T>G, p.Leu915= (NM_015657.4).
Identifiers: ClinVar variation 2651866 (VCV002651866.27), dbSNP rs751227059, ClinGen allele CA2091654.
Genomic context (GRCh38, chr2:214,989,459, plus strand): 5'-CAGCCAGCCAAATGAGGTGGTGTCATCCTGAACCGGGGAGGTGTACATATTTTCCCACTG[A>C]AGACCTAAAAAGTGAACACAAGTGTTTATTCTTCTGTGACACACAGCACAGTTGTGAAAG-3'
Protein context (NP_775099.2, residues 1223-1243): IARYEEQGIG[Leu1233=]QWENMYTSPV